The following is an entry in ClinVar:

NM_015335.5(MED13L):c.2345-1G>T

Gene: MED13L (mediator complex subunit 13L; minus strand). Cytogenetic location: 12q24.21.
Variant type: single nucleotide variant.
Coding change: c.2345-1G>T on transcript NM_015335.5 (MANE Select); the canonical splice acceptor site of the intron before coding-DNA position 2345, G replaced by T.
Molecular consequence: splice acceptor variant.
Genome position (GRCh38, 1-based): chr12:116,005,994, C>A on the plus strand (G>T on the coding strand, the complement: MED13L is on the minus strand). VCF-style: chr12-116005994-C-A. GRCh37 (hg19) VCF-style: chr12-116443799-C-A.
Identifiers: ClinVar variation 3775322 (VCV003775322.1).

ClinVar aggregate classification (germline): Likely pathogenic (1 of 4 stars; one submission).

Conditions:
Cardiac anomalies - developmental delay - facial dysmorphism syndrome (MRFACD). Also called: Impaired intellectual development and distinctive facial features with or without cardiac defects; MED13L Syndrome. Identifiers: Orphanet 369891, MedGen C5192431, MONDO:0014773, OMIM 616789.

Submission:

3billion
Classification: Likely pathogenic for Cardiac anomalies - developmental delay - facial dysmorphism syndrome. Last evaluated: 2023-06-12. Review status: criteria provided, single submitter. Criteria: ACMG Guidelines, 2015. Collection method: clinical testing. Allele origin: germline. Affected: yes.
Comment: The variant is not observed in the gnomAD v2.1.1 dataset. Predicted Consequence/Location: Canonical splice site: predicted to alter splicing and result in a loss or disruption of normal protein function. Multiple pathogenic loss-of-function variants are reported downstream of the variant. Therefore, this variant is classified as Likely pathogenic according to the recommendation of ACMG/AMP guideline.